The following is an entry in ClinVar:

ClinVar aggregate classification (germline): Uncertain significance (1 of 4 stars; one submission).

Conditions:
Short-rib thoracic dysplasia 6 with or without polydactyly (SRTD6). Also called: Majewski Syndrome; SHORT RIB-POLYDACTYLY SYNDROME, TYPE IIA; SHORT-RIB THORACIC DYSPLASIA 6 WITH POLYDACTYLY; SHORT-RIB THORACIC DYSPLASIA 6 WITHOUT POLYDACTYLY; POLYDACTYLY WITH NEONATAL CHONDRODYSTROPHY, TYPE II. Identifiers: MedGen C0024507, MONDO:0009894, OMIM 263520.

gnomAD v4.1: 11 of 1,613,210 alleles (0.00068%); highest among the groups gnomAD compares: South Asian, 0.011%; 1 homozygote.

Submission:

Labcorp Genetics (formerly Invitae), Labcorp
Classification: Uncertain significance for Short-rib thoracic dysplasia 6 with or without polydactyly. Last evaluated: 2025-02-17. Review status: criteria provided, single submitter. Criteria: Invitae Variant Classification Sherloc (09022015). Collection method: clinical testing. Allele origin: germline.
Comment: This sequence change replaces threonine, which is neutral and polar, with isoleucine, which is neutral and non-polar, at codon 918 of the NEK1 protein (p.Thr918Ile). This variant is present in population databases (rs761566146, gnomAD 0.01%). This variant has not been reported in the literature in individuals affected with NEK1-related conditions. Invitae Evidence Modeling of protein sequence and biophysical properties (such as structural, functional, and spatial information, amino acid conservation, physicochemical variation, residue mobility, and thermodynamic stability) indicates that this missense variant is not expected to disrupt NEK1 protein function with a negative predictive value of 80%. In summary, the available evidence is currently insufficient to determine the role of this variant in disease. Therefore, it has been classified as a Variant of Uncertain Significance.

NM_001199397.3(NEK1):c.2837C>T (p.Thr946Ile)

Gene: NEK1 (NIMA related kinase 1; minus strand). Cytogenetic location: 4q33.
Variant type: single nucleotide variant.
Coding change: c.2837C>T on transcript NM_001199397.3 (MANE Select); coding-DNA position 2837, C replaced by T.
Protein change: p.Thr946Ile; replaces threonine 946 with isoleucine.
Molecular consequence: missense variant. On other transcripts: non-coding transcript variant (1).
Genome position (GRCh38, 1-based): chr4:169,433,593, G>A on the plus strand (C>T on the coding strand, the complement: NEK1 is on the minus strand). VCF-style: chr4-169433593-G-A. GRCh37 (hg19) VCF-style: chr4-170354744-G-A.
Other names: c.2705C>T, p.Thr902Ile (NM_001199398.3); c.2546C>T, p.Thr849Ile (NM_001199399.3); c.2621C>T, p.Thr874Ile (NM_001199400.3); c.2837C>T, p.Thr946Ile (NM_001374418.1); c.2753C>T, p.Thr918Ile (NM_001374419.1, NM_012224.4); c.2702C>T, p.Thr901Ile (NM_001374420.1); c.2354C>T, p.Thr785Ile (NM_001374421.1); c.2660C>T, p.Thr887Ile (NM_001440620.1); and 5 more; short protein forms T849I, T874I, T946I, T785I, T815I, T843I, T859I, T918I.
Identifiers: ClinVar variation 4743194 (VCV004743194.1).